The following is an entry in ClinVar:

ClinVar aggregate classification (germline): Uncertain significance (1 of 4 stars; one submission).

Conditions:
Bethlem myopathy 1A. Also called: Bethlem Muscular Dystrophy; MYOPATHY, BENIGN CONGENITAL, WITH CONTRACTURES; Bethlem myopathy 1. Identifiers: Orphanet 610, MedGen CN029274, MONDO:0024530, OMIM 158810.

Allele frequency attached by ClinVar (database versions not stated): gnomAD exomes 0.00001; TOPMed 0.00001; ExAC 0.00002.
gnomAD v4.1: 3 of 1,614,002 alleles (0.00019%); highest among the groups gnomAD compares: African/African-American, 0.0027%; no homozygotes.

Submission:

Labcorp Genetics (formerly Invitae), Labcorp
Classification: Uncertain significance for Bethlem myopathy 1A. Last evaluated: 2020-02-06. Review status: criteria provided, single submitter. Criteria: Invitae Variant Classification Sherloc (09022015). Collection method: clinical testing. Allele origin: germline.
Comment: In summary, the available evidence is currently insufficient to determine the role of this variant in disease. Therefore, it has been classified as a Variant of Uncertain Significance. Algorithms developed to predict the effect of missense changes on protein structure and function are either unavailable or do not agree on the potential impact of this missense change (SIFT: "Tolerated"; PolyPhen-2: "Probably Damaging"; Align-GVGD: "Class C0"). This variant has not been reported in the literature in individuals with COL6A3-related conditions. This variant is present in population databases (rs753189030, ExAC 0.01%). This sequence change replaces phenylalanine with valine at codon 55 of the COL6A3 protein (p.Phe55Val). The phenylalanine residue is moderately conserved and there is a small physicochemical difference between phenylalanine and valine.

NM_004369.4(COL6A3):c.163T>G (p.Phe55Val)

Gene: COL6A3 (collagen type VI alpha 3 chain; minus strand). Cytogenetic location: 2q37.3.
Variant type: single nucleotide variant.
Coding change: c.163T>G on transcript NM_004369.4 (MANE Select); coding-DNA position 163, T replaced by G.
Protein change: p.Phe55Val; replaces phenylalanine 55 with valine.
Molecular consequence: missense variant. On other transcripts: intron variant (4).
Genome position (GRCh38, 1-based): chr2:237,395,133, A>C on the plus strand (T>G on the coding strand, the complement: COL6A3 is on the minus strand). VCF-style: chr2-237395133-A-C. GRCh37 (hg19) VCF-style: chr2-238303776-A-C.
Other names: c.91+1594T>G (NM_057166.5, NM_057167.4, NM_057164.5 and 1 more transcripts); short protein forms F55V.
Identifiers: ClinVar variation 1018492 (VCV001018492.11), dbSNP rs753189030, ClinGen allele CA2189926.